The following is an entry in ClinVar:

NM_001271938.2(MEGF8):c.1942C>T (p.Arg648Cys)

Gene: MEGF8 (multiple EGF like domains 8; plus strand). Cytogenetic location: 19q13.2.
Variant type: single nucleotide variant.
Coding change: c.1942C>T on transcript NM_001271938.2 (MANE Select); coding-DNA position 1942, C replaced by T.
Protein change: p.Arg648Cys; replaces arginine 648 with cysteine.
Molecular consequence: missense variant.
Genome position (GRCh38, 1-based): chr19:42,344,678, C>T. VCF-style: chr19-42344678-C-T. GRCh37 (hg19) VCF-style: chr19-42848830-C-T.
Other names: c.1942C>T, p.Arg648Cys (NM_001410.3); c.1942C>T (NM_001410.2); short protein forms R648C.
Identifiers: ClinVar variation 1001234 (VCV001001234.12), dbSNP rs761382753, ClinGen allele CA9474627.

ClinVar aggregate classification (germline): Uncertain significance. Review status: criteria provided, multiple submitters, no conflicts (2 of 4 stars). 3 submissions from 3 submitters: Uncertain significance (3). Last evaluated 2025-03-20.

Conditions:
Inborn genetic diseases. Identifiers: MedGen C0950123, MeSH D030342.
MEGF8-related Carpenter syndrome. Also called: Carpenter syndrome 2. Identifiers: Orphanet 65759, MedGen C3554247, MONDO:0013998, OMIM 614976.

Allele frequency attached by ClinVar (database versions not stated): gnomAD exomes below 0.00001 and 0.00001; ExAC 0.00001; gnomAD 0.00001; TOPMed 0.00001.
gnomAD v4.1: 19 of 1,580,316 alleles (0.0012%); highest among the groups gnomAD compares: Non-Finnish European, 0.0014%; no homozygotes.

Submissions (3):

Ambry Genetics
Classification: Uncertain significance for Inborn genetic diseases. Last evaluated: 2025-03-20. Review status: criteria provided, single submitter. Criteria: Ambry Variant Classification Scheme 2023. Collection method: clinical testing. Allele origin: germline.

Labcorp Genetics (formerly Invitae), Labcorp
Classification: Uncertain significance for MEGF8-related Carpenter syndrome. Last evaluated: 2020-11-10. Review status: criteria provided, single submitter. Criteria: Invitae Variant Classification Sherloc (09022015). Collection method: clinical testing. Allele origin: germline.
Comment: This variant has not been reported in the literature in individuals with MEGF8-related disease. In summary, the available evidence is currently insufficient to determine the role of this variant in disease. Therefore, it has been classified as a Variant of Uncertain Significance. Algorithms developed to predict the effect of missense changes on protein structure and function are either unavailable or do not agree on the potential impact of this missense change (SIFT: "Tolerated"; PolyPhen-2: "Possibly Damaging"; Align-GVGD: "Class C0"). This variant is present in population databases (rs761382753, ExAC 0.002%). This sequence change replaces arginine with cysteine at codon 648 of the MEGF8 protein (p.Arg648Cys). The arginine residue is moderately conserved and there is a large physicochemical difference between arginine and cysteine.

Breakthrough Genomics
Classification: Uncertain significance. Review status: criteria provided, single submitter. Criteria: ACMG Guidelines, 2015. Collection method: not provided. Allele origin: germline. Inheritance: Autosomal dominant inheritance. Affected: yes.